The following is an entry in ClinVar:

NM_020719.3(PRR12):c.4674_4676delinsGC (p.Cys1558fs)

Gene: PRR12 (proline rich 12; plus strand). Cytogenetic location: 19q13.33.
Variant type: Indel.
Coding change: c.4674_4676delinsGC on transcript NM_020719.3 (MANE Select); coding-DNA positions 4674 to 4676, TGG replaced by GC.
Protein change: p.Cys1558fs; shifts the reading frame from cysteine 1558.
Molecular consequence: frameshift variant.
Genome position (GRCh38, 1-based): chr19:49,601,819-49,601,821, TGG replaced by GC. VCF-style: chr19-49601819-TGG-GC. GRCh37 (hg19) VCF-style: chr19-50105076-TGG-GC.
Other names: short protein forms C1558fs.
Identifiers: ClinVar variation 1013591 (VCV001013591.1), dbSNP rs2080813593, ClinGen allele CA2340489548.

ClinVar aggregate classification (germline): Pathogenic (1 of 4 stars; one submission).

Submission:

GeneDx
Classification: Pathogenic. Last evaluated: 2021-01-06. Review status: criteria provided, single submitter. Criteria: GeneDx Variant Classification (06012015). Collection method: clinical testing. Allele origin: germline. Affected: yes.
Comment: Not observed in large population cohorts (Lek et al., 2016). Frameshift variant predicted to result in protein truncation or nonsense mediated decay in a gene for which loss-of-function is a known mechanism of disease. We interpret c.4674_4676delTGGinsGC as a pathogenic variant.